The following is an entry in ClinVar:

ClinVar aggregate classification (germline): Uncertain significance (1 of 4 stars; one submission).

Conditions:
Hereditary cancer-predisposing syndrome. Also called: Hereditary Cancer Syndrome; Hereditary neoplastic syndrome; Neoplastic Syndromes, Hereditary; Tumor predisposition. Identifiers: Orphanet 140162, MedGen C0027672, MeSH D009386, MONDO:0015356.

Submission:

Ambry Genetics
Classification: Uncertain significance for Hereditary cancer-predisposing syndrome. Last evaluated: 2022-09-26. Review status: criteria provided, single submitter. Criteria: Ambry Variant Classification Scheme 2023. Collection method: clinical testing. Allele origin: germline.
Comment: The p.N442I variant (also known as c.1325A>T), located in coding exon 4 of the PALB2 gene, results from an A to T substitution at nucleotide position 1325. The asparagine at codon 442 is replaced by isoleucine, an amino acid with dissimilar properties. This amino acid position is conserved. In addition, this alteration is predicted to be tolerated by in silico analysis. Since supporting evidence is limited at this time, the clinical significance of this alteration remains unclear.

NM_024675.4(PALB2):c.1325A>T (p.Asn442Ile)

Gene: PALB2 (partner and localizer of BRCA2; minus strand). Cytogenetic location: 16p12.2.
Variant type: single nucleotide variant.
Coding change: c.1325A>T on transcript NM_024675.4 (MANE Select); coding-DNA position 1325, A replaced by T.
Protein change: p.Asn442Ile; replaces asparagine 442 with isoleucine.
Molecular consequence: missense variant.
Genome position (GRCh38, 1-based): chr16:23,635,221, T>A on the plus strand (A>T on the coding strand, the complement: PALB2 is on the minus strand). VCF-style: chr16-23635221-T-A. GRCh37 (hg19) VCF-style: chr16-23646542-T-A.
Other names: c.1265A>T, p.Asn422Ile (NM_001407296.1); c.1325A>T, p.Asn442Ile (NM_001407297.1, NM_001407298.1, NM_001407299.1 and 3 more transcripts); c.440A>T, p.Asn147Ile (NM_001407304.1, NM_001407305.1, NM_001407306.1 and 5 more transcripts); short protein forms N442I, N147I, N422I.
Identifiers: ClinVar variation 1769987 (VCV001769987.2), dbSNP rs2142419299, ClinGen allele CA395132298.